The following is an entry in ClinVar:

NM_001250.6(CD40):c.269G>A (p.Arg90Gln)

Gene: CD40 (CD40 molecule; plus strand). Cytogenetic location: 20q13.12.
Variant type: single nucleotide variant.
Coding change: c.269G>A on transcript NM_001250.6 (MANE Select); coding-DNA position 269, G replaced by A.
Protein change: p.Arg90Gln; replaces arginine 90 with glutamine.
Molecular consequence: missense variant. On other transcripts: non-coding transcript variant (2).
Genome position (GRCh38, 1-based): chr20:46,122,622, G>A. VCF-style: chr20-46122622-G-A. GRCh37 (hg19) VCF-style: chr20-44751261-G-A.
Other names: c.269G>A, p.Arg90Gln (NM_001302753.2, NM_001322421.2, NM_001322422.2 and 2 more transcripts); short protein forms R90Q.
Identifiers: ClinVar variation 1438066 (VCV001438066.5), dbSNP rs761229326, ClinGen allele CA9888428.
Genomic context (GRCh38, chr20:46,122,622, plus strand): 5'-GCATGGCCCAGCAGGGGGTTCCCATCCTTCCTGCCCTTCTCTTCTCAGACCTAGGGCTTC[G>A]GGTCCAGCAGAAGGGCACCTCAGAAACAGACACCATCTGCACCTGTGAAGAAGGCTGGCA-3'
Protein context (NP_001241.1, residues 80-100): HKYCDPNLGL[Arg90Gln]VQQKGTSETD

ClinVar aggregate classification (germline): Uncertain significance (1 of 4 stars; one submission).

Allele frequency attached by ClinVar (database versions not stated): gnomAD 0.00002; gnomAD exomes 0.00006 and 0.00014; TOPMed 0.00006; ExAC 0.00018.
gnomAD v4.1: 82 of 1,613,946 alleles (0.0051%); highest among the groups gnomAD compares: Admixed American, 0.05%; no homozygotes.

Submission:

Labcorp Genetics (formerly Invitae), Labcorp
Classification: Uncertain significance. Last evaluated: 2022-07-19. Review status: criteria provided, single submitter. Criteria: Invitae Variant Classification Sherloc (09022015). Collection method: clinical testing. Allele origin: germline.
Comment: This sequence change replaces arginine, which is basic and polar, with glutamine, which is neutral and polar, at codon 90 of the CD40 protein (p.Arg90Gln). This variant is present in population databases (rs761229326, gnomAD 0.08%). This variant has not been reported in the literature in individuals affected with CD40-related conditions. ClinVar contains an entry for this variant (Variation ID: 1438066). Algorithms developed to predict the effect of missense changes on protein structure and function output the following: SIFT: "Tolerated"; PolyPhen-2: "Benign"; Align-GVGD: "Class C0". The glutamine amino acid residue is found in multiple mammalian species, which suggests that this missense change does not adversely affect protein function. In summary, the available evidence is currently insufficient to determine the role of this variant in disease. Therefore, it has been classified as a Variant of Uncertain Significance.